The following is an entry in ClinVar:

ClinVar aggregate classification (germline): Uncertain significance (1 of 4 stars; one submission).

Conditions:
Joubert syndrome. Also called: CEREBELLOPARENCHYMAL DISORDER IV; JOUBERT-BOLTSHAUSER SYNDROME; Familial aplasia of the vermis. Identifiers: Orphanet 475, MedGen C5979921, MONDO:0018772.

Submission:

Labcorp Genetics (formerly Invitae), Labcorp
Classification: Uncertain significance for Joubert syndrome. Last evaluated: 2022-08-08. Review status: criteria provided, single submitter. Criteria: Invitae Variant Classification Sherloc (09022015). Collection method: clinical testing. Allele origin: germline.
Comment: This sequence change replaces histidine, which is basic and polar, with arginine, which is basic and polar, at codon 1029 of the AHI1 protein (p.His1029Arg). This variant is not present in population databases (gnomAD no frequency). This variant has not been reported in the literature in individuals affected with AHI1-related conditions. Advanced modeling of protein sequence and biophysical properties (such as structural, functional, and spatial information, amino acid conservation, physicochemical variation, residue mobility, and thermodynamic stability) performed at Invitae indicates that this missense variant is not expected to disrupt AHI1 protein function. In summary, the available evidence is currently insufficient to determine the role of this variant in disease. Therefore, it has been classified as a Variant of Uncertain Significance.

NM_001134831.2(AHI1):c.3086A>G (p.His1029Arg)

Gene: AHI1 (Abelson helper integration site 1; minus strand). Cytogenetic location: 6q23.3.
Variant type: single nucleotide variant.
Coding change: c.3086A>G on transcript NM_001134831.2 (MANE Select); coding-DNA position 3086, A replaced by G.
Protein change: p.His1029Arg; replaces histidine 1029 with arginine.
Molecular consequence: missense variant.
Genome position (GRCh38, 1-based): chr6:135,394,799, T>C on the plus strand (A>G on the coding strand, the complement: AHI1 is on the minus strand). VCF-style: chr6-135394799-T-C. GRCh37 (hg19) VCF-style: chr6-135715937-T-C.
Other names: c.3086A>G, p.His1029Arg (NM_001134830.2, NM_001134832.2, NM_001350503.2 and 2 more transcripts); short protein forms H1029R.
Identifiers: ClinVar variation 1912958 (VCV001912958.5), dbSNP rs2484035026, ClinGen allele CA365843604.